The following is an entry in ClinVar:

ClinVar aggregate classification (germline): Uncertain significance (1 of 4 stars; one submission).

Conditions:
Hypertrophic cardiomyopathy 26. Also called: Cardiomyopathy, familial hypertrophic, 26. Identifiers: Orphanet 75249, MedGen C4310749, MONDO:0014883, OMIM 617047.
Myofibrillar myopathy 5. Also called: Filaminopathy (type); FILAMINOPATHY, AUTOSOMAL DOMINANT. Identifiers: Orphanet 171445, MedGen C1836050, MONDO:0012289, OMIM 609524.
Distal myopathy with posterior leg and anterior hand involvement. Also called: WILLIAMS DISTAL MYOPATHY. Identifiers: Orphanet 63273, MedGen C3279722, MONDO:0013550, OMIM 614065.

Submission:

Labcorp Genetics (formerly Invitae), Labcorp
Classification: Uncertain significance for Distal myopathy with posterior leg and anterior hand involvement; Myofibrillar myopathy 5; Hypertrophic cardiomyopathy 26. Last evaluated: 2021-01-16. Review status: criteria provided, single submitter. Criteria: Invitae Variant Classification Sherloc (09022015). Collection method: clinical testing. Allele origin: germline.
Comment: This sequence change replaces proline with serine at codon 1625 of the FLNC protein (p.Pro1625Ser). The proline residue is highly conserved and there is a moderate physicochemical difference between proline and serine. This variant is not present in population databases (ExAC no frequency). This variant has not been reported in the literature in individuals with FLNC-related conditions. Algorithms developed to predict the effect of missense changes on protein structure and function are either unavailable or do not agree on the potential impact of this missense change (SIFT: "Tolerated"; PolyPhen-2: "Probably Damaging"; Align-GVGD: "Class C0"). In summary, the available evidence is currently insufficient to determine the role of this variant in disease. Therefore, it has been classified as a Variant of Uncertain Significance.

NM_001458.5(FLNC):c.4873C>T (p.Pro1625Ser)

Gene: FLNC (filamin C; plus strand). Cytogenetic location: 7q32.1.
Variant type: single nucleotide variant.
Coding change: c.4873C>T on transcript NM_001458.5 (MANE Select); coding-DNA position 4873, C replaced by T.
Protein change: p.Pro1625Ser; replaces proline 1625 with serine.
Molecular consequence: missense variant.
Genome position (GRCh38, 1-based): chr7:128,848,928, C>T. VCF-style: chr7-128848928-C-T. GRCh37 (hg19) VCF-style: chr7-128488982-C-T.
Other names: c.4873C>T, p.Pro1625Ser (NM_001127487.2); short protein forms P1625S.
Identifiers: ClinVar variation 1414599 (VCV001414599.8), dbSNP rs2128937664, ClinGen allele CA369203443.